The following is an entry in ClinVar:

NM_004171.4(SLC1A2):c.1631C>T (p.Ser544Phe)

Gene: SLC1A2 (solute carrier family 1 member 2; minus strand). Cytogenetic location: 11p13.
Variant type: single nucleotide variant.
Coding change: c.1631C>T on transcript NM_004171.4 (MANE Select); coding-DNA position 1631, C replaced by T.
Protein change: p.Ser544Phe; replaces serine 544 with phenylalanine.
Molecular consequence: missense variant.
Genome position (GRCh38, 1-based): chr11:35,265,549, G>A on the plus strand (C>T on the coding strand, the complement: SLC1A2 is on the minus strand). VCF-style: chr11-35265549-G-A. GRCh37 (hg19) VCF-style: chr11-35287096-G-A.
Other names: c.1604C>T, p.Ser535Phe (NM_001195728.3, NM_001252652.2, NM_001439341.1); c.1619C>T, p.Ser540Phe (NM_001439342.1); c.1397C>T, p.Ser466Phe (NM_001439343.1); short protein forms S466F, S544F, S535F, S540F.
Identifiers: ClinVar variation 4711838 (VCV004711838.1).

ClinVar aggregate classification (germline): Uncertain significance (1 of 4 stars; one submission).

gnomAD v4.1: 1 of 1,591,058 alleles (0.000063%); highest among the groups gnomAD compares: Non-Finnish European, 0.000086%; no homozygotes.

Submission:

Labcorp Genetics (formerly Invitae), Labcorp
Classification: Uncertain significance. Last evaluated: 2025-03-10. Review status: criteria provided, single submitter. Criteria: Invitae Variant Classification Sherloc (09022015). Collection method: clinical testing. Allele origin: germline.
Comment: This sequence change replaces serine, which is neutral and polar, with phenylalanine, which is neutral and non-polar, at codon 544 of the SLC1A2 protein (p.Ser544Phe). This variant is not present in population databases (gnomAD no frequency). This variant has not been reported in the literature in individuals affected with SLC1A2-related conditions. An algorithm developed to predict the effect of missense changes on protein structure and function (PolyPhen-2) suggests that this variant is likely to be disruptive. In summary, the available evidence is currently insufficient to determine the role of this variant in disease. Therefore, it has been classified as a Variant of Uncertain Significance.